The following is an entry in ClinVar:

ClinVar aggregate classification (germline): Pathogenic (1 of 4 stars; one submission).

Conditions:
Neurofibromatosis, type 1 (NF1). Also called: VON RECKLINGHAUSEN DISEASE; Peripheral type neurofibromatosis; NEUROFIBROMATOSIS, TYPE I, SOMATIC; Neurofibromatosis, type I. Identifiers: Orphanet 636, MedGen C0027831, MONDO:0018975, OMIM 162200. Disease mechanism: loss of function.

Submission:

Labcorp Genetics (formerly Invitae), Labcorp
Classification: Pathogenic for Neurofibromatosis, type 1. Last evaluated: 2023-09-12. Review status: criteria provided, single submitter. Criteria: Invitae Variant Classification Sherloc (09022015). Collection method: clinical testing. Allele origin: germline.
Comment: For these reasons, this variant has been classified as Pathogenic. Advanced modeling of protein sequence and biophysical properties (such as structural, functional, and spatial information, amino acid conservation, physicochemical variation, residue mobility, and thermodynamic stability) performed at Invitae indicates that this missense variant is expected to disrupt NF1 protein function. ClinVar contains an entry for this variant (Variation ID: 1075890). This missense change has been observed in individual(s) with neurofibromatosis type 1 (PMID: 31370276). This variant is not present in population databases (gnomAD no frequency). This sequence change replaces leucine, which is neutral and non-polar, with proline, which is neutral and non-polar, at codon 2395 of the NF1 protein (p.Leu2395Pro).

Literature cited by the submitters: PubMed 31370276.

NM_001042492.3(NF1):c.7247T>C (p.Leu2416Pro)

Gene: NF1 (neurofibromin 1; plus strand). Cytogenetic location: 17q11.2.
Variant type: single nucleotide variant.
Coding change: c.7247T>C on transcript NM_001042492.3 (MANE Select); coding-DNA position 7247, T replaced by C.
Protein change: p.Leu2416Pro; replaces leucine 2416 with proline.
Molecular consequence: missense variant.
Genome position (GRCh38, 1-based): chr17:31,349,177, T>C. VCF-style: chr17-31349177-T-C. GRCh37 (hg19) VCF-style: chr17-29676195-T-C.
Other names: c.7184T>C, p.Leu2395Pro (NM_000267.4); short protein forms L2395P, L2416P.
Identifiers: ClinVar variation 1075890 (VCV001075890.5), dbSNP rs2151572659, ClinGen allele CA399016769.
Genomic context (GRCh38, chr17:31,349,177, plus strand): 5'-TAGGGTACAGGCATCCTTCACCTGCTATTGTTGCAAGAACAGTCAGAATTTTACATACAC[T>C]ACTAACTCTGGTTAACAAACACAGAAATTGTGACAAATTTGAAGTGAATACACAGAGCGT-3'
Protein context (NP_001035957.1, residues 2406-2426): VARTVRILHT[Leu2416Pro]LTLVNKHRNC